The following is an entry in ClinVar:

ClinVar aggregate classification (germline): Uncertain significance (1 of 4 stars; one submission).

Conditions:
Inborn genetic diseases. Identifiers: MedGen C0950123, MeSH D030342.

Allele frequency attached by ClinVar (database versions not stated): gnomAD exomes below 0.00001; TOPMed below 0.00001.
gnomAD v4.1: 1 of 1,614,106 alleles (0.000062%); highest among the groups gnomAD compares: East Asian, 0.0022%; no homozygotes.

Submission:

Ambry Genetics
Classification: Uncertain significance for Inborn genetic diseases. Last evaluated: 2023-12-14. Review status: criteria provided, single submitter. Criteria: Ambry Variant Classification Scheme 2023. Collection method: clinical testing. Allele origin: germline.
Comment: The p.Q557R variant (also known as c.1670A>G), located in coding exon 12 of the EPAS1 gene, results from an A to G substitution at nucleotide position 1670. The glutamine at codon 557 is replaced by arginine, an amino acid with highly similar properties. This amino acid position is conserved. In addition, this alteration is predicted to be tolerated by in silico analysis. Since supporting evidence is limited at this time, the clinical significance of this alteration remains unclear.

NM_001430.5(EPAS1):c.1670A>G (p.Gln557Arg)

Gene: EPAS1 (endothelial PAS domain protein 1; plus strand). Cytogenetic location: 2p21.
Variant type: single nucleotide variant.
Coding change: c.1670A>G on transcript NM_001430.5 (MANE Select); coding-DNA position 1670, A replaced by G.
Protein change: p.Gln557Arg; replaces glutamine 557 with arginine.
Molecular consequence: missense variant.
Genome position (GRCh38, 1-based): chr2:46,380,342, A>G. VCF-style: chr2-46380342-A-G. GRCh37 (hg19) VCF-style: chr2-46607481-A-G.
Other names: short protein forms Q557R.
Identifiers: ClinVar variation 3221564 (VCV003221564.1), dbSNP rs1276996001, ClinGen allele CA346704631.